The following is an entry in ClinVar:

ClinVar aggregate classification (germline): Pathogenic/Likely pathogenic. Review status: criteria provided, multiple submitters, no conflicts (2 of 4 stars). 13 submissions from 10 submitters: Pathogenic (6); Likely pathogenic (1). 6 of the submissions do not count toward it. Last evaluated 2025-11-09.
ClinVar aggregate classification (oncogenicity): Oncogenic (1 of 4 stars; one submission).

Conditions:
ACTH-independent macronodular adrenal hyperplasia 1 (AIMAH1). Also called: ACTH-INDEPENDENT MACRONODULAR ADRENOCORTICAL HYPERPLASIA; ADRENOCORTICOTROPIC HORMONE-INDEPENDENT MACRONODULAR ADRENAL HYPERPLASIA; CORTICOTROPIN-INDEPENDENT MACRONODULAR ADRENAL HYPERPLASIA; CUSHING SYNDROME, ADRENAL, DUE TO AIMAH; ACTH-independent macronodular adrenal hyperplasia, somatic. Identifiers: MedGen C1857451, MONDO:0020735, OMIM 219080.
GNAS-related disorder. Identifiers: MedGen CN380105.
Pituitary adenoma 3, multiple types. Also called: PITUITARY ADENOMA 3, ACTH-SECRETING, SOMATIC; PITUITARY ADENOMA 3, GROWTH HORMONE-SECRETING, SOMATIC. Identifiers: MedGen C4540135, MONDO:0054665, OMIM 617686.
McCune-Albright syndrome (MAS). Also called: ALBRIGHT SYNDROME; Albright's Syndrome; McCune-Albright syndrome, somatic, mosaic; Fibrous Dysplasia / McCune-Albright Syndrome; Albright's disease. Identifiers: Orphanet 562, MedGen C0242292, MONDO:0018919, OMIM 174800.
Sex cord-stromal tumor. Also called: Sex cord stromal tumor, somatic. Identifiers: MedGen C0206724, MONDO:0006055.
Pseudohypoparathyroidism type 1B (PHP1B). Also called: Pseudohypoparathyroidism Ib (PHP-Ib); PHP IB; Pseudohypoparathyroidism Type IB. Identifiers: Orphanet 94089, MedGen C1864100, MONDO:0011301, OMIM 603233.
Neoplasm. Also called: tumor; Neoplasms; Neoplasm (disease). Identifiers: MedGen C0027651, MeSH D009369, MONDO:0005070, HP:0002664.

Allele frequency attached by ClinVar (database versions not stated): gnomAD 0.00001.
gnomAD v4.1: 8 of 1,613,500 alleles (0.0005%); highest among the groups gnomAD compares: Admixed American, 0.0017%; no homozygotes.

Submissions (14):

Center for Genomic Medicine, Rigshospitalet, Copenhagen University Hospital
Classification: Oncogenic for Neoplasm. Last evaluated: 2026-10-16. Review status: criteria provided, single submitter. Criteria: ClinGen/CGC/VICC Guidelines for Oncogenicity, 2022. Collection method: clinical testing. Allele origin: somatic. Affected: yes.

3billion
Classification: Pathogenic for McCune-Albright syndrome. Last evaluated: 2025-11-09. Review status: criteria provided, single submitter. Criteria: ACMG Guidelines, 2015. Collection method: clinical testing. Allele origin: germline. Affected: yes.
Comment: The variant is observed at an extremely low frequency in the gnomAD v4.1.0 dataset (total allele frequency: <0.001%). Predicted Consequence/Location: Missense variant Functional studies provide moderate evidence of the variant having a damaging effect on the gene or gene product (PMID: 17873334). In silico tool predictions suggest damaging effect of the variant on gene or gene product [REVEL: 0.94 (>=0.6, sensitivity 0.68 and specificity 0.92); 3Cnet: 1.00 (> 0.75, sensitivity 0.96 and precision 0.92)]. The same nucleotide change resulting in the same amino acid change has been previously reported as pathogenic/likely pathogenic with strong evidence (ClinVar ID: VCV000015933). Different missense changes at the same codon (p.Arg201Gly, p.Arg201His, p.Arg201Ser) have been reported as pathogenic/likely pathogenic with strong evidence (ClinVar ID: VCV000015934, VCV000015937, VCV000015945 /PMID: 26341786 /3billion dataset). Therefore, this variant is classified as Pathogenic according to the recommendation of ACMG/AMP guideline.

PreventionGenetics, part of Exact Sciences
Classification: Pathogenic for GNAS-related condition. Last evaluated: 2025-02-27. Review status: criteria provided, single submitter. Criteria: ACMG Guidelines, 2015. Collection method: clinical testing. Allele origin: germline.
Comment: The GNAS c.601C>T variant is predicted to result in the amino acid substitution p.Arg201Cys. This variant has been reported in many unrelated individuals to be causative for McCune Albright syndrome (see for example: Lumbroso et al. 2004. PubMed ID: 15126527; Weinstein et al. 1991. PubMed ID: 1944469; Narumi et al. 2013. PubMed ID: 23536913). The p.Arg201Cys is an activating variant which inhibits the intrinsic GTP hydrolase activity, thereby resulting in constitutive Gsα signaling (Landis et al. 1989. PubMed ID: 2549426). This variant has also been identified as a somatic variant in several types of tumors (Chang et al. 2016. PubMed ID: 26619011; Nault et al. 2012. PubMed ID: 21835143; MacConaill et al. 2014. PubMed ID: 25157968). This variant has not been reported in a large population database (gnomAD) and is reported in ClinVar as pathogenic by many outside laboratories. In summary, we categorize the c.601C>T as pathogenic.

Labcorp Genetics (formerly Invitae), Labcorp
Classification: Pathogenic. Last evaluated: 2024-11-03. Review status: criteria provided, single submitter. Criteria: Invitae Variant Classification Sherloc (09022015). Collection method: clinical testing. Allele origin: germline.
Comment: This sequence change replaces arginine, which is basic and polar, with cysteine, which is neutral and slightly polar, at codon 201 of the GNAS protein (p.Arg201Cys). This variant is not present in population databases (gnomAD no frequency). This missense change has been observed in individual(s) with McCune-Albright syndrome, as a somatic mosaic variant (PMID: 16543670, 17873334, 20197676, 27506760). In at least one individual the variant was observed to be de novo. ClinVar contains an entry for this variant (Variation ID: 15933). Invitae Evidence Modeling of protein sequence and biophysical properties (such as structural, functional, and spatial information, amino acid conservation, physicochemical variation, residue mobility, and thermodynamic stability) indicates that this missense variant is expected to disrupt GNAS protein function with a positive predictive value of 80%. Experimental studies have shown that this missense change affects GNAS function (PMID: 2549426). This variant disrupts the p.Arg201 amino acid residue in GNAS. Other variant(s) that disrupt this residue have been determined to be pathogenic (PMID: 15126527, 27506760). This suggests that this residue is clinically significant, and that variants that disrupt this residue are likely to be disease-causing. For these reasons, this variant has been classified as Pathogenic.

Genomic Medicine Center of Excellence, King Faisal Specialist Hospital and Research Centre
Classification: Likely pathogenic for Pseudohypoparathyroidism type 1B. Last evaluated: 2024-09-22. Review status: criteria provided, single submitter. Criteria: ACMG Guidelines, 2015. Collection method: clinical testing. Allele origin: germline.

Clinical Genomics Laboratory, Washington University in St. Louis
Classification: Pathogenic for McCune-Albright syndrome. Last evaluated: 2023-09-08. Review status: criteria provided, single submitter. Criteria: ACMG Guidelines, 2015. Collection method: clinical testing. Allele origin: somatic. Affected: yes.
Comment: The GNAS c.601C>T (p.Arg201Cys) variant was identified at an allelic fraction consistent with somatic origin. This variant has been identified in numerous patients with McCune Albright Syndrome, with/without polyostotic fibrous dysplasia (Sargin H et al., PMID: 16543670; Lumborso S et al., PMID: 15126527, Caspari L et al., PMID: 22692721; Narumi S et al., PMID: 23536913). This variant is only observed on 2/152140 alleles in the general population (gnomAD v.3.1.2), indicating it is not a common variant. Computational predictors indicate that the variant is damaging, evidence that correlates with impact to GNAS function. This variant has been reported in the ClinVar database as a germline pathogenic variant by two submitters (ClinVar Variation ID: 15933). Functional studies show that the GNAS c.601C>T (p.Arg201Cys) variant leads to elevated expression of Wnt and increases the phosphorylation of ERK1/2 MAPK, cell proliferation, and tumor growth in animal models, indicating that this variant impacts protein function (Wilson CH et al., PMID: 20531296; More A et al., PMID: 35879396). Other variants in the same codon, including p.Arg201His, have been reported in affected individuals and are considered pathogenic/likely pathogenic (Riminucci M et al., PMID: 10571700, Fragoso MCBV et al., PMID: 12727968, ClinVar ID's: 15945, 210045, 15937, 15934). GNAS c.601C>T (p.Arg201Cys) is one of the most frequently occurring variants in McCune Albright Syndrome (Lumborso S et al., PMID: 15126527; Narumi S et al., PMID: 23536913; Shi RR et al., PMID: 23503642). Based on an internally-developed protocol informed by the ACMG/AMP guidelines (Richards S et al., PMID: 25741868) and gene-specific practices from the ClinGen Criteria Specification Registry, the GNAS c.601C>T (p.Arg201Cys) variant is classified as pathogenic.

Clinical Genetics Laboratory, Skane University Hospital Lund
Classification: Pathogenic. Last evaluated: 2023-03-08. Review status: criteria provided, single submitter. Criteria: ACMG Guidelines, 2015. Collection method: clinical testing. Allele origin: germline. Affected: yes.

Blueprint Genetics
Classification: Pathogenic for GNAS-related disorders. Last evaluated: 2022-05-04. Review status: criteria provided, single submitter. Criteria: ACMG Guidelines, 2015. Collection method: clinical testing. Allele origin: germline. Affected: yes. Observed: 4 variant alleles.

OMIM
Classification: Pathogenic for MCCUNE-ALBRIGHT SYNDROME, SOMATIC, MOSAIC. Last evaluated: 2014-05-23. Review status: no assertion criteria provided. Collection method: literature only. Allele origin: somatic. Not counted in ClinVar's aggregate classification.

OMIM
Classification: Pathogenic for SEX CORD STROMAL TUMOR, SOMATIC. Last evaluated: 2014-05-23. Review status: no assertion criteria provided. Collection method: literature only. Allele origin: somatic. Not counted in ClinVar's aggregate classification.

OMIM
Classification: Pathogenic for ACTH-INDEPENDENT MACRONODULAR ADRENAL HYPERPLASIA, SOMATIC. Last evaluated: 2014-05-23. Review status: no assertion criteria provided. Collection method: literature only. Allele origin: somatic. Not counted in ClinVar's aggregate classification.

OMIM
Classification: Pathogenic for PITUITARY ADENOMA 3, GROWTH HORMONE-SECRETING, SOMATIC. Last evaluated: 2014-05-23. Review status: no assertion criteria provided. Collection method: literature only. Allele origin: somatic. Not counted in ClinVar's aggregate classification.

Clinical Molecular Genetics Laboratory, Johns Hopkins All Children's Hospital
Classification: Pathogenic for McCune-Albright syndrome. Last evaluated: 2014-02-14. Review status: no assertion criteria provided. Collection method: clinical testing. Allele origin: germline. Affected: yes. Not counted in ClinVar's aggregate classification.

GeneReviews
No classification provided. Condition: McCune-Albright syndrome. Review status: no classification provided. Collection method: literature only. Allele origin: germline. Affected: yes. Not counted in ClinVar's aggregate classification.

Literature cited by the submitters: PubMed 20531296 (cited by Center for Genomic Medicine, Rigshospitalet, Copenhagen University Hospital); PubMed 24498230 (cited by Center for Genomic Medicine, Rigshospitalet, Copenhagen University Hospital); PubMed 26341786 (cited by 3billion); PubMed 17873334 (cited by 3billion and Labcorp Genetics (formerly Invitae), Labcorp); PubMed 16543670 (cited by Labcorp Genetics (formerly Invitae), Labcorp); PubMed 20197676 (cited by Labcorp Genetics (formerly Invitae), Labcorp); PubMed 27506760 (cited by Labcorp Genetics (formerly Invitae), Labcorp); PubMed 2549426 (cited by Labcorp Genetics (formerly Invitae), Labcorp and OMIM); PubMed 15126527 (cited by Labcorp Genetics (formerly Invitae), Labcorp and GeneReviews); PubMed 1944469 (cited by OMIM); PubMed 7739708 (cited by OMIM); PubMed 8766942 (cited by OMIM); PubMed 12970318 (cited by OMIM); PubMed 9626141 (cited by OMIM); PubMed 16507630 (cited by OMIM); PubMed 24855271 (cited by OMIM); PubMed 23536913 (cited by GeneReviews); NCBI Bookshelf NBK274564 (cited by GeneReviews).

NM_000516.7(GNAS):c.601C>T (p.Arg201Cys)

Gene: GNAS (GNAS complex locus; plus strand). Cytogenetic location: 20q13.32.
Variant type: single nucleotide variant.
Coding change: c.601C>T on transcript NM_000516.7 (MANE Select); coding-DNA position 601, C replaced by T.
Protein change: p.Arg201Cys; replaces arginine 201 with cysteine.
Molecular consequence: missense variant. On other transcripts: 3 prime UTR variant (2).
Genome position (GRCh38, 1-based): chr20:58,909,365, C>T. VCF-style: chr20-58909365-C-T. GRCh37 (hg19) VCF-style: chr20-57484420-C-T.
Other names: c.2530C>T (NM_080425.3); c.604C>T, p.Arg202Cys (NM_001077488.5); c.556C>T, p.Arg186Cys (NM_001077489.4); c.*462C>T (NM_001077490.3); c.424C>T, p.Arg142Cys (NM_001309840.2, NM_001309861.2); c.*507C>T (NM_016592.5); c.2530C>T, p.Arg844Cys (NM_080425.4); c.559C>T, p.Arg187Cys (NM_080426.4); and 1 more; short protein forms R201C, R202C, R844C, R186C, R142C, R187C.
Identifiers: ClinVar variation 15933 (VCV000015933.17), dbSNP rs11554273, ClinGen allele CA126067.